The following is an entry in ClinVar:

NM_001267550.2(TTN):c.6332G>A (p.Trp2111Ter)

Gene: TTN (titin; minus strand). Cytogenetic location: 2q31.2.
Variant type: single nucleotide variant.
Coding change: c.6332G>A on transcript NM_001267550.2 (MANE Select); coding-DNA position 6332, G replaced by A.
Protein change: p.Trp2111Ter; replaces tryptophan 2111 with a stop codon.
Molecular consequence: nonsense.
Genome position (GRCh38, 1-based): chr2:178,775,532, C>T on the plus strand (G>A on the coding strand, the complement: TTN is on the minus strand). VCF-style: chr2-178775532-C-T. GRCh37 (hg19) VCF-style: chr2-179640259-C-T.
Other names: c.6332G>A, p.Trp2111Ter (NM_001256850.1, NM_133378.4, NM_133379.5); c.6194G>A, p.Trp2065Ter (NM_003319.4, NM_133432.3, NM_133437.4); short protein forms W2065*, W2111*.
Identifiers: ClinVar variation 2098411 (VCV002098411.4), dbSNP rs2092127553, ClinGen allele CA349440841.

ClinVar aggregate classification (germline): Likely pathogenic (1 of 4 stars; one submission).

Conditions:
Autosomal recessive limb-girdle muscular dystrophy type 2J (LGMDR10). Also called: Limb-girdle muscular dystrophy, type 2J; MUSCULAR DYSTROPHY, LIMB-GIRDLE, AUTOSOMAL RECESSIVE 10. Identifiers: Orphanet 140922, MedGen C1837342, MONDO:0012127, OMIM 608807.
Dilated cardiomyopathy 1G (CMD1G). Identifiers: Orphanet 154, MedGen C1858763, MONDO:0011400, OMIM 604145.

Submission:

Labcorp Genetics (formerly Invitae), Labcorp
Classification: Likely pathogenic for Dilated cardiomyopathy 1G; Autosomal recessive limb-girdle muscular dystrophy type 2J. Last evaluated: 2024-11-04. Review status: criteria provided, single submitter. Criteria: Invitae Variant Classification Sherloc (09022015). Collection method: clinical testing. Allele origin: germline.
Comment: This sequence change creates a premature translational stop signal (p.Trp2111*) in the TTN gene. While this is not anticipated to result in nonsense mediated decay, it is expected to create a truncated TTN protein. This variant is not present in population databases (gnomAD no frequency). This variant has not been reported in the literature in individuals affected with TTN-related conditions. ClinVar contains an entry for this variant (Variation ID: 2098411). This variant is located in the Z band of TTN (PMID: 25589632). Truncating variants in this region have been reported in individuals affected with autosomal recessive centronuclear myopathy (PMID: 33449170, internal data). Truncating variants in this region have also been identified in individuals affected with autosomal dominant dilated cardiomyopathy and/or cardio-related conditions (PMID: 27869827, 32964742, internal data). In summary, the currently available evidence indicates that the variant is pathogenic, but additional data are needed to prove that conclusively. Therefore, this variant has been classified as Likely Pathogenic.

Literature cited by the submitters: PubMed 25589632; PubMed 33449170; PubMed 27869827; PubMed 32964742.